The following is an entry in ClinVar:

NM_024426.6(WT1):c.1541A>G (p.Asn514Ser)

Gene: WT1 (WT1 transcription factor; minus strand). Cytogenetic location: 11p13.
Variant type: single nucleotide variant.
Coding change: c.1541A>G on transcript NM_024426.6 (MANE Select); coding-DNA position 1541, A replaced by G.
Protein change: p.Asn514Ser; replaces asparagine 514 with serine.
Molecular consequence: missense variant. On other transcripts: non-coding transcript variant (1).
Genome position (GRCh38, 1-based): chr11:32,389,086, T>C on the plus strand (A>G on the coding strand, the complement: WT1 is on the minus strand). VCF-style: chr11-32389086-T-C. GRCh37 (hg19) VCF-style: chr11-32410632-T-C.
Other names: c.1481A>G, p.Asn494Ser (NM_000378.6); c.881A>G, p.Asn294Ser (NM_001198551.2); c.839A>G, p.Asn280Ser (NM_001198552.2); c.353A>G, p.Asn118Ser (NM_001367854.1); c.1526A>G, p.Asn509Ser (NM_001407044.1); c.1490A>G, p.Asn497Ser (NM_001407045.1); c.1448A>G, p.Asn483Ser (NM_001407046.1); c.1409A>G, p.Asn470Ser (NM_001407047.1); and 6 more; short protein forms N294S, N514S, N280S, N494S, N118S, N511S, N467S, N470S.
Identifiers: ClinVar variation 584756 (VCV000584756.13), dbSNP rs1554938531, ClinGen allele CA379957494.

ClinVar aggregate classification (germline): Uncertain significance. Review status: criteria provided, multiple submitters, no conflicts (2 of 4 stars). 2 submissions from 2 submitters: Uncertain significance (2). Last evaluated 2020-03-14.

Conditions:
Frasier syndrome. Identifiers: Orphanet 347, MedGen C0950122, MeSH D052159, MONDO:0007635, OMIM 136680.
Wilms tumor 1 (WT1). Also called: Wilms tumor, somatic. Identifiers: Orphanet 654, MedGen CN033288, MONDO:0008679, OMIM 194070.
11p partial monosomy syndrome (WAGR). Also called: WAGR Complex; WAGR syndrome; WAGR Spectrum Disorder; CHROMOSOME 11p13 DELETION SYNDROME. Identifiers: Orphanet 893, MedGen C0206115, MONDO:0008681, OMIM 194072.
Drash syndrome (DDS). Also called: NEPHROPATHY, WILMS TUMOR, AND GENITAL ANOMALIES; WILMS TUMOR AND PSEUDO- OR TRUE HERMAPHRODITISM. Identifiers: Orphanet 220, MedGen C0950121, MONDO:0008682, OMIM 194080.

Submissions (2):

Labcorp Genetics (formerly Invitae), Labcorp
Classification: Uncertain significance for Wilms tumor 1; Drash syndrome; 11p partial monosomy syndrome; Frasier syndrome. Last evaluated: 2020-03-14. Review status: criteria provided, single submitter. Criteria: Invitae Variant Classification Sherloc (09022015). Collection method: clinical testing. Allele origin: germline.
Comment: This variant has not been reported in the literature in individuals with WT1-related conditions. ClinVar contains an entry for this variant (Variation ID: 584756). This variant is not present in population databases (ExAC no frequency). This sequence change replaces asparagine with serine at codon 509 of the WT1 protein (p.Asn509Ser). The asparagine residue is highly conserved and there is a small physicochemical difference between asparagine and serine. Algorithms developed to predict the effect of missense changes on protein structure and function (SIFT, PolyPhen-2, Align-GVGD) all suggest that this variant is likely to be disruptive, but these predictions have not been confirmed by published functional studies and their clinical significance is uncertain. In summary, the available evidence is currently insufficient to determine the role of this variant in disease. Therefore, it has been classified as a Variant of Uncertain Significance.

Mendelics
Classification: Uncertain significance for Drash syndrome. Last evaluated: 2019-05-28. Review status: criteria provided, single submitter. Criteria: Mendelics Assertion Criteria 2017. Collection method: clinical testing. Allele origin: unknown.